The following is an entry in ClinVar:

ClinVar aggregate classification (germline): Uncertain significance (1 of 4 stars; one submission).

Allele frequency attached by ClinVar (database versions not stated): gnomAD exomes below 0.00001; ExAC 0.00001; TOPMed 0.00001.
gnomAD v4.1: 3 of 1,605,690 alleles (0.00019%); highest among the groups gnomAD compares: African/African-American, 0.0013%; no homozygotes.

Submission:

GeneDx
Classification: Uncertain significance. Last evaluated: 2022-05-10. Review status: criteria provided, single submitter. Criteria: GeneDx Variant Classification Process June 2021. Collection method: clinical testing. Allele origin: germline. Affected: yes.
Comment: Not observed at significant frequency in large population cohorts (gnomAD); In silico analysis supports that this missense variant has a deleterious effect on protein structure/function; Has not been previously published as pathogenic or benign in association with neurodevelopmental disorders to our knowledge; This variant is associated with the following publications: (PMID: 29925043)

NM_001170629.2(CHD8):c.2368C>T (p.Arg790Cys)

Gene: CHD8 (chromodomain helicase DNA binding protein 8; minus strand). Cytogenetic location: 14q11.2.
Variant type: single nucleotide variant.
Coding change: c.2368C>T on transcript NM_001170629.2 (MANE Select); coding-DNA position 2368, C replaced by T.
Protein change: p.Arg790Cys; replaces arginine 790 with cysteine.
Molecular consequence: missense variant.
Genome position (GRCh38, 1-based): chr14:21,408,822, G>A on the plus strand (C>T on the coding strand, the complement: CHD8 is on the minus strand). VCF-style: chr14-21408822-G-A. GRCh37 (hg19) VCF-style: chr14-21876981-G-A.
Other names: c.1531C>T, p.Arg511Cys (NM_020920.4); short protein forms R511C, R790C.
Identifiers: ClinVar variation 1684077 (VCV001684077.2), dbSNP rs776528619, ClinGen allele CA7091570.
Genomic context (GRCh38, chr14:21,408,822, plus strand): 5'-GGTTTCTGTTTTTATATTCATGTGATAGCTCCAATTTCTTCCAGGCACTTGCCTGCGGAC[G>A]ATTCTAAAAAACAAGACGTTTGAATAAATGGAGTGGAGACATTATCAAAAGGTAAGACTT-3'
Protein context (NP_001164100.1, residues 780-800): SRHPELKRVN[Arg790Cys]PQASAWKKLE